The following is an entry in ClinVar:

ClinVar aggregate classification (germline): Uncertain significance. Review status: criteria provided, multiple submitters, no conflicts (2 of 4 stars). 2 submissions from 2 submitters: Uncertain significance (2). Last evaluated 2022-09-27.

Allele frequency attached by ClinVar (database versions not stated): gnomAD exomes below 0.00001.

Submissions (2):

Labcorp Genetics (formerly Invitae), Labcorp
Classification: Uncertain significance. Last evaluated: 2022-09-27. Review status: criteria provided, single submitter. Criteria: Invitae Variant Classification Sherloc (09022015). Collection method: clinical testing. Allele origin: germline.
Comment: In summary, the available evidence is currently insufficient to determine the role of this variant in disease. Therefore, it has been classified as a Variant of Uncertain Significance. This variant has not been reported in the literature in individuals affected with SLC25A26-related conditions. This variant is present in population databases (no rsID available, gnomAD 0.0009%). This sequence change results in a frameshift in the SLC25A26 gene (p.Val153Serfs*68). While this is not anticipated to result in nonsense mediated decay, it is expected to disrupt the last 34 amino acid(s) of the SLC25A26 protein and extend the protein by 33 additional amino acid residues.

Blueprint Genetics
Classification: Uncertain significance. Last evaluated: 2021-12-03. Review status: criteria provided, single submitter. Criteria: ACMG Guidelines, 2015. Collection method: clinical testing. Allele origin: germline.

NM_001379210.1(SLC25A26):c.720del (p.Val241fs)

Gene: SLC25A26 (solute carrier family 25 member 26; plus strand). Cytogenetic location: 3p14.1.
Variant type: Deletion.
Coding change: c.720del on transcript NM_001379210.1 (MANE Select); coding-DNA position 720, one base deleted (T; older notation c.720delT).
Protein change: p.Val241fs; shifts the reading frame from valine 241.
Molecular consequence: frameshift variant. On other transcripts: 3 prime UTR variant (2), non-coding transcript variant (15).
Genome position (GRCh38, 1-based): chr3:66,377,702, T deleted. VCF-style (leftmost placement, unchanged base first): chr3-66377701-GT-G. GRCh37 (hg19) VCF-style: chr3-66428125-GT-G.
Other names: c.720delT, p.Val241Serfs (NM_001009937.1); c.456del, p.Val153fs (NM_001164796.1, NM_001350993.1, NM_001400711.1); c.*35del (NM_001400705.1, NM_001400709.1); c.675del, p.Val226fs (NM_001400707.1); c.411del, p.Val138fs (NM_001400714.1); c.720del, p.Val241fs (NM_173471.4); short protein forms V138fs, V226fs, V241fs, V153fs.
Identifiers: ClinVar variation 2032995 (VCV002032995.5), dbSNP rs1559755802, ClinGen allele CA543540290.